The following is an entry in ClinVar:

NM_173648.4(CCDC141):c.262G>A (p.Ala88Thr)

Gene: CCDC141 (coiled-coil domain containing 141; minus strand). Cytogenetic location: 2q31.2.
Variant type: single nucleotide variant.
Coding change: c.262G>A on transcript NM_173648.4 (MANE Select); coding-DNA position 262, G replaced by A.
Protein change: p.Ala88Thr; replaces alanine 88 with threonine.
Molecular consequence: missense variant.
Genome position (GRCh38, 1-based): chr2:178,978,639, C>T on the plus strand (G>A on the coding strand, the complement: CCDC141 is on the minus strand). VCF-style: chr2-178978639-C-T. GRCh37 (hg19) VCF-style: chr2-179843366-C-T.
Other names: c.262G>A, p.Ala88Thr (NM_001316745.2); c.262G>A (NM_173648.3); short protein forms A88T.
Identifiers: ClinVar variation 2165347 (VCV002165347.5), dbSNP rs1034323549, ClinGen allele CA61483504.

ClinVar aggregate classification (germline): Uncertain significance. Review status: criteria provided, multiple submitters, no conflicts (2 of 4 stars). 2 submissions from 2 submitters: Uncertain significance (2). Last evaluated 2024-08-12.

Allele frequency attached by ClinVar (database versions not stated): gnomAD exomes 0.00001; TOPMed 0.00002; gnomAD 0.00004.
gnomAD v4.1: 24 of 1,546,526 alleles (0.0016%); highest among the groups gnomAD compares: Non-Finnish European, 0.002%; no homozygotes.

Submissions (2):

Ambry Genetics
Classification: Uncertain significance. Last evaluated: 2024-08-12. Review status: criteria provided, single submitter. Criteria: Ambry Variant Classification Scheme 2023. Collection method: clinical testing. Allele origin: germline.

Labcorp Genetics (formerly Invitae), Labcorp
Classification: Uncertain significance. Last evaluated: 2024-03-25. Review status: criteria provided, single submitter. Criteria: Invitae Variant Classification Sherloc (09022015). Collection method: clinical testing. Allele origin: germline.
Comment: This sequence change replaces alanine, which is neutral and non-polar, with threonine, which is neutral and polar, at codon 88 of the CCDC141 protein (p.Ala88Thr). This variant is present in population databases (no rsID available, gnomAD 0.008%). This variant has not been reported in the literature in individuals affected with CCDC141-related conditions. ClinVar contains an entry for this variant (Variation ID: 2165347). An algorithm developed to predict the effect of missense changes on protein structure and function (PolyPhen-2) suggests that this variant is likely to be disruptive. In summary, the available evidence is currently insufficient to determine the role of this variant in disease. Therefore, it has been classified as a Variant of Uncertain Significance.